The following is an entry in ClinVar:

ClinVar aggregate classification (germline): Likely benign. Review status: criteria provided, multiple submitters, no conflicts (2 of 4 stars). 3 submissions from 3 submitters: Likely benign (3). Last evaluated 2026-01-06.

Conditions:
Inborn genetic diseases. Identifiers: MedGen C0950123, MeSH D030342.
Charcot-Marie-Tooth disease axonal type 2O. Also called: Charcot-Marie-Tooth disease, axonal, type 20; CHARCOT-MARIE-TOOTH NEUROPATHY, AXONAL, TYPE 2O; CHARCOT-MARIE-TOOTH DISEASE, AXONAL, AUTOSOMAL DOMINANT, TYPE 2O; Charcot-Marie-Tooth Neuropathy Type 2O. Identifiers: Orphanet 284232, MedGen C3280220, MONDO:0013644, OMIM 614228.

Allele frequency attached by ClinVar (database versions not stated): gnomAD exomes 0.00001 and 0.00002; ExAC 0.00002; gnomAD 0.00002; ESP Exome Variant Server 0.00008; TOPMed 0.00008.
gnomAD v4.1: 31 of 1,613,980 alleles (0.0019%); highest among the groups gnomAD compares: African/African-American, 0.004%; no homozygotes.

Submissions (3):

Labcorp Genetics (formerly Invitae), Labcorp
Classification: Likely benign for Charcot-Marie-Tooth disease axonal type 2O. Last evaluated: 2026-01-06. Review status: criteria provided, single submitter. Criteria: Invitae Variant Classification Sherloc (09022015). Collection method: clinical testing. Allele origin: germline.

CeGaT Center for Human Genetics Tuebingen
Classification: Likely benign. Last evaluated: 2024-07-01. Review status: criteria provided, single submitter. Criteria: CeGaT Center For Human Genetics Tuebingen Variant Classification Criteria Version 2. Collection method: clinical testing. Allele origin: germline. Affected: yes. Observed: 1 variant allele.
Comment: DYNC1H1: BP4, BP7

Ambry Genetics
Classification: Likely benign for Inborn genetic diseases. Last evaluated: 2019-05-23. Review status: criteria provided, single submitter. Criteria: Ambry Variant Classification Scheme 2023. Collection method: clinical testing. Allele origin: germline.

NM_001376.5(DYNC1H1):c.609G>A (p.Pro203=)

Gene: DYNC1H1 (dynein cytoplasmic 1 heavy chain 1; plus strand). Cytogenetic location: 14q32.31.
Variant type: single nucleotide variant.
Coding change: c.609G>A on transcript NM_001376.5 (MANE Select); coding-DNA position 609, G replaced by A.
Protein change: p.Pro203=; no amino-acid change (proline 203 retained).
Molecular consequence: synonymous variant.
Genome position (GRCh38, 1-based): chr14:101,979,809, G>A. VCF-style: chr14-101979809-G-A. GRCh37 (hg19) VCF-style: chr14-102446146-G-A.
Identifiers: ClinVar variation 661639 (VCV000661639.27), dbSNP rs138702876, ClinGen allele CA7351556.